The following is an entry in ClinVar:

ClinVar aggregate classification (germline): Benign/Likely benign. Review status: criteria provided, multiple submitters, no conflicts (2 of 4 stars). 4 submissions from 4 submitters: Benign (3); Likely benign (1). Last evaluated 2026-03-17.

Conditions:
Pyogenic arthritis-pyoderma gangrenosum-acne syndrome (PAPA). Also called: FAMILIAL RECURRENT ARTHRITIS; PAPA SYNDROME. Identifiers: Orphanet 69126, MedGen C1858361, MONDO:0011462, OMIM 604416.

Allele frequency attached by ClinVar (database versions not stated): gnomAD exomes 0.00008; ExAC 0.00017; gnomAD 0.00027 and 0.00028; TOPMed 0.00029; ESP Exome Variant Server 0.00066.
gnomAD v4.1: 116 of 1,583,648 alleles (0.0073%); highest among the groups gnomAD compares: African/African-American, 0.089%; no homozygotes.

Submissions (4):

Women's Health and Genetics/Laboratory Corporation of America, LabCorp
Classification: Benign. Last evaluated: 2026-03-17. Review status: criteria provided, single submitter. Criteria: LabCorp Variant Classification Summary - May 2015. Collection method: clinical testing. Allele origin: germline.

Labcorp Genetics (formerly Invitae), Labcorp
Classification: Benign for Pyogenic arthritis-pyoderma gangrenosum-acne syndrome. Last evaluated: 2025-08-26. Review status: criteria provided, single submitter. Criteria: Invitae Variant Classification Sherloc (09022015). Collection method: clinical testing. Allele origin: germline.

Blueprint Genetics
Classification: Likely benign. Last evaluated: 2024-01-17. Review status: criteria provided, single submitter. Criteria: ACMG Guidelines, 2015. Collection method: clinical testing. Allele origin: germline.

GeneDx
Classification: Benign. Last evaluated: 2013-07-02. Review status: criteria provided, single submitter. Criteria: GeneDx Variant Classification (06012015). Collection method: clinical testing. Allele origin: germline. Affected: yes.
Comment: This variant is considered likely benign or benign based on one or more of the following criteria: it is a conservative change, it occurs at a poorly conserved position in the protein, it is predicted to be benign by multiple in silico algorithms, and/or has population frequency not consistent with disease.

NM_003978.5(PSTPIP1):c.929+17C>T

Gene: PSTPIP1 (proline-serine-threonine phosphatase interacting protein 1; plus strand). Cytogenetic location: 15q24.3.
Variant type: single nucleotide variant.
Coding change: c.929+17C>T on transcript NM_003978.5 (MANE Select); 17 bases into the intron after coding-DNA position 929, C replaced by T.
Molecular consequence: intron variant.
Genome position (GRCh38, 1-based): chr15:77,032,969, C>T. VCF-style: chr15-77032969-C-T. GRCh37 (hg19) VCF-style: chr15-77325310-C-T.
Other names: c.929+17C>T (LRG_172t1); c.1124+17C>T (NM_001321137.1); c.902+17C>T (NM_001321136.2); c.872+541C>T (NM_001321135.2).
Identifiers: ClinVar variation 138829 (VCV000138829.10), dbSNP rs372335370, ClinGen allele CA292947.